The following is an entry in ClinVar:

ClinVar aggregate classification (germline): Likely benign. Review status: criteria provided, single submitter (1 of 4 stars). 2 submissions from 2 submitters: Likely benign (1). 1 of the submissions does not count toward it. Last evaluated 2024-02-24.

Conditions:
Joubert syndrome. Also called: CEREBELLOPARENCHYMAL DISORDER IV; JOUBERT-BOLTSHAUSER SYNDROME; Familial aplasia of the vermis. Identifiers: Orphanet 475, MedGen C5979921, MONDO:0018772.
Nephronophthisis. Also called: Juvenile Nephronophthisis. Identifiers: Orphanet 655, MedGen C0687120, MONDO:0019005, HP:0000090.
Meckel-Gruber syndrome. Also called: DYSENCEPHALIA SPLANCHNOCYSTICA; GRUBER SYNDROME; Dysencephalia splachnocystica. Identifiers: Orphanet 564, MedGen C0265215, MONDO:0018921.
CEP290-related disorder. Also called: CEP290-related condition; CEP290-related disorders. Identifiers: MedGen CN239314.

Allele frequency attached by ClinVar (database versions not stated): gnomAD 0.00003 and 0.00004.

Submissions (2):

Labcorp Genetics (formerly Invitae), Labcorp
Classification: Likely benign for Joubert syndrome; Meckel-Gruber syndrome; Nephronophthisis. Last evaluated: 2024-02-24. Review status: criteria provided, single submitter. Criteria: Invitae Variant Classification Sherloc (09022015). Collection method: clinical testing. Allele origin: germline.

PreventionGenetics, part of Exact Sciences
Classification: Likely benign for CEP290-related condition. Last evaluated: 2024-02-21. Review status: no assertion criteria provided. Collection method: clinical testing. Allele origin: germline. Not counted in ClinVar's aggregate classification.
Comment: This variant is classified as likely benign based on ACMG/AMP sequence variant interpretation guidelines (Richards et al. 2015 PMID: 25741868, with internal and published modifications).

NM_025114.4(CEP290):c.4963A>C (p.Arg1655=)

Gene: CEP290 (centrosomal protein 290; minus strand). Cytogenetic location: 12q21.32.
Variant type: single nucleotide variant.
Coding change: c.4963A>C on transcript NM_025114.4 (MANE Select); coding-DNA position 4963, A replaced by C.
Protein change: p.Arg1655=; no amino-acid change (arginine 1655 retained).
Molecular consequence: synonymous variant.
Genome position (GRCh38, 1-based): chr12:88,083,080, T>G on the plus strand (A>C on the coding strand, the complement: CEP290 is on the minus strand). VCF-style: chr12-88083080-T-G. GRCh37 (hg19) VCF-style: chr12-88476857-T-G.
Other names: c.4963A>C (NM_025114.3).
Identifiers: ClinVar variation 1644076 (VCV001644076.9), dbSNP rs1161295348, ClinGen allele CA481075587.
Genomic context (GRCh38, chr12:88,083,080, plus strand): 5'-CGAAGACTTACTGTAATTTGATATTTTCAAATTCTTTTACTTTTAATTCAGTGATTTCTC[T>G]TTGTCTCTCCAAATCTTGTGATACTTTCTTTAGTTTGACCAAGAGTGAGGAAAGAGAGTC-3'
Protein context (NP_079390.3, residues 1645-1665): KKVSQDLERQ[Arg1655=]EITELKVKEF